The following is an entry in ClinVar:

ClinVar aggregate classification (germline): Uncertain significance (1 of 4 stars; one submission).

Allele frequency attached by ClinVar (database versions not stated): gnomAD exomes below 0.00001; ExAC 0.00001; TOPMed 0.00001; gnomAD 0.00003.
gnomAD v4.1: 5 of 1,613,874 alleles (0.00031%); highest among the groups gnomAD compares: African/African-American, 0.0067%; no homozygotes.

Submission:

Ambry Genetics
Classification: Uncertain significance. Last evaluated: 2023-07-23. Review status: criteria provided, single submitter. Criteria: Ambry Variant Classification Scheme 2023. Collection method: clinical testing. Allele origin: germline.
Comment: The p.V2319A variant (also known as c.6956T>C), located in coding exon 24 of the POLQ gene, results from a T to C substitution at nucleotide position 6956. The valine at codon 2319 is replaced by alanine, an amino acid with similar properties. This amino acid position is conserved. In addition, this alteration is predicted to be deleterious by in silico analysis. Since supporting evidence is limited at this time, the clinical significance of this alteration remains unclear.

NM_199420.4(POLQ):c.6956T>C (p.Val2319Ala)

Gene: POLQ (DNA polymerase theta; minus strand). Cytogenetic location: 3q13.33.
Variant type: single nucleotide variant.
Coding change: c.6956T>C on transcript NM_199420.4 (MANE Select); coding-DNA position 6956, T replaced by C.
Protein change: p.Val2319Ala; replaces valine 2319 with alanine.
Molecular consequence: missense variant.
Genome position (GRCh38, 1-based): chr3:121,467,530, A>G on the plus strand (T>C on the coding strand, the complement: POLQ is on the minus strand). VCF-style: chr3-121467530-A-G. GRCh37 (hg19) VCF-style: chr3-121186377-A-G.
Other names: short protein forms V2319A.
Identifiers: ClinVar variation 2624464 (VCV002624464.2), dbSNP rs771249820, ClinGen allele CA2562314.